The following is an entry in ClinVar:

NM_003906.5(MCM3AP):c.2193G>T (p.Arg731=)

Gene: MCM3AP (minichromosome maintenance complex component 3 associated protein; minus strand). Cytogenetic location: 21q22.3.
Variant type: single nucleotide variant.
Coding change: c.2193G>T on transcript NM_003906.5 (MANE Select); coding-DNA position 2193, G replaced by T.
Protein change: p.Arg731=; no amino-acid change (arginine 731 retained).
Molecular consequence: synonymous variant.
Genome position (GRCh38, 1-based): chr21:46,273,391, C>A on the plus strand (G>T on the coding strand, the complement: MCM3AP is on the minus strand). VCF-style: chr21-46273391-C-A. GRCh37 (hg19) VCF-style: chr21-47693305-C-A.
Identifiers: ClinVar variation 2985249 (VCV002985249.5), dbSNP rs1347400457, ClinGen allele CA512728759.
Genomic context (GRCh38, chr21:46,273,391, plus strand): 5'-GTTTGACTTTGGAATTTGCGTGGATTTTTTAGCATCCAGGTTGGAGGCAGCCAATACCTT[C>A]CGTATGCCACGCGTGCGGTTCCACACGAAGTCATACCAATCCCGCAGGCTGCCCTCCTTC-3'
Protein context (NP_003897.2, residues 721-741): DFVWNRTRGI[Arg731=]KDITQQHLCD

ClinVar aggregate classification (germline): Conflicting classifications of pathogenicity. Review status: criteria provided, conflicting classifications (1 of 4 stars). 2 submissions from 2 submitters: Uncertain significance (1); Likely benign (1). Last evaluated 2025-04-02.

Allele frequency attached by ClinVar (database versions not stated): TOPMed below 0.00001; gnomAD exomes 0.00001.
gnomAD v4.1: 4 of 1,613,912 alleles (0.00025%); no homozygotes.

Submissions (2):

Women's Health and Genetics/Laboratory Corporation of America, LabCorp
Classification: Uncertain significance. Last evaluated: 2025-04-02. Review status: criteria provided, single submitter. Criteria: LabCorp Variant Classification Summary - May 2015. Collection method: clinical testing. Allele origin: germline.
Comment: Variant summary: MCM3AP c.2193G>T alters a conserved nucleotide resulting in a synonymous change. Several computational tools predict a significant impact on normal splicing: Three predict the variant has no significant impact on splicing at the canonical 5' donor site whereas one predicts the variant weakens the 5' donor site. Three also predict the variant creates a cryptic 5' donor site. However, these predictions have yet to be confirmed by functional studies. The variant allele was found at a frequency of 1.6e-05 in 250756 control chromosomes. The available data on variant occurrences in the general population are insufficient to allow any conclusion about variant significance. To our knowledge, no occurrence of c.2193G>T in individuals affected with autosomal recessive Peripheral neuropathy with or without impaired intellectual development and no experimental evidence demonstrating its impact on protein function have been reported. ClinVar contains an entry for this variant (Variation ID: 2985249). Based on the evidence outlined above, the variant was classified as uncertain significance.

Labcorp Genetics (formerly Invitae), Labcorp
Classification: Likely benign. Last evaluated: 2023-05-05. Review status: criteria provided, single submitter. Criteria: Invitae Variant Classification Sherloc (09022015). Collection method: clinical testing. Allele origin: germline.